The following is an entry in ClinVar:

NM_001001563.5(TIMM50):c.446C>T (p.Thr149Met)

Gene: TIMM50 (translocase of inner mitochondrial membrane 50; plus strand). Cytogenetic location: 19q13.2.
Variant type: single nucleotide variant.
Coding change: c.446C>T on transcript NM_001001563.5 (MANE Select); coding-DNA position 446, C replaced by T.
Protein change: p.Thr149Met; replaces threonine 149 with methionine.
Molecular consequence: missense variant.
Genome position (GRCh38, 1-based): chr19:39,485,761, C>T. VCF-style: chr19-39485761-C-T. GRCh37 (hg19) VCF-style: chr19-39976401-C-T.
Other names: T252M; c.107C>T, p.Thr36Met (NM_001329559.2); short protein forms T149M, T36M.
Identifiers: ClinVar variation 440792 (VCV000440792.7), dbSNP rs1244226820, ClinGen allele CA405787335.
Genomic context (GRCh38, chr19:39,485,761, plus strand): 5'-CCACCAGCCCTTGCCTTCTCCCAGACCCTCTGCAGGAACCGTACTACCAGCCACCCTACA[C>T]GCTCGTTTTGGAGCTCACCGGCGTCCTCTTGCATCCTGAGTGGTCGGTGTGTCCCGGGAA-3'
Protein context (NP_001001563.2, residues 139-159): LQEPYYQPPY[Thr149Met]LVLELTGVLL

ClinVar aggregate classification (germline): Likely pathogenic. Review status: criteria provided, multiple submitters, no conflicts (2 of 4 stars). 3 submissions from 3 submitters: Likely pathogenic (2). 1 of the submissions does not count toward it. Last evaluated 2025-10-07.

Conditions:
3-methylglutaconic aciduria type 9. Also called: 3-METHYLGLUTACONIC ACIDURIA, TYPE IX. Identifiers: Orphanet 505216, MedGen C4540171, MONDO:0044724, OMIM 617698.

Allele frequency attached by ClinVar (database versions not stated): gnomAD exomes 0.00001 and below 0.00001.

Submissions (3):

3billion
Classification: Likely pathogenic for 3-methylglutaconic aciduria type 9. Last evaluated: 2025-10-07. Review status: criteria provided, single submitter. Criteria: ACMG Guidelines, 2015. Collection method: clinical testing. Allele origin: germline. Affected: yes.
Comment: The variant is observed at an extremely low frequency in the gnomAD v4.1.0 dataset (total allele frequency: <0.001%). Predicted Consequence/Location: Missense variant Damaging effect on gene or gene product predicted by in silico programs is uncertain [REVEL: 0.53 (damaging >=0.6, benign <0.4), 3Cnet: 0.00 (damaging >0.75, benign <0.1)]. The same nucleotide change resulting in the same amino acid change has been previously reported as pathogenic/likely pathogenic with strong evidence (ClinVar ID: VCV000440792 /PMID: 27573165 /3billion dataset). The variant has been reported to be in trans with a pathogenic variant as either compound heterozygous or homozygous in at least one similarly affected unrelated individual (PMID: 27573165). The variant has been reported to co-segregate with the disease in at least one similarly affected relative/individual in the same family or similarly affected unrelated families (PMID: 27573165). Therefore, this variant is classified as Likely pathogenic according to the recommendation of ACMG/AMP guideline.

Labcorp Genetics (formerly Invitae), Labcorp
Classification: Likely pathogenic. Last evaluated: 2024-03-16. Review status: criteria provided, single submitter. Criteria: Invitae Variant Classification Sherloc (09022015). Collection method: clinical testing. Allele origin: germline.
Comment: This sequence change replaces threonine, which is neutral and polar, with methionine, which is neutral and non-polar, at codon 252 of the TIMM50 protein (p.Thr252Met). This variant is present in population databases (no rsID available, gnomAD 0.0009%). This missense change has been observed in individuals with 3-methylglutaconic aciduria (PMID: 27573165, 32369862). It has also been observed to segregate with disease in related individuals. ClinVar contains an entry for this variant (Variation ID: 440792). Advanced modeling of protein sequence and biophysical properties (such as structural, functional, and spatial information, amino acid conservation, physicochemical variation, residue mobility, and thermodynamic stability) performed at Invitae indicates that this missense variant is expected to disrupt TIMM50 protein function with a positive predictive value of 80%. In summary, the currently available evidence indicates that the variant is pathogenic, but additional data are needed to prove that conclusively. Therefore, this variant has been classified as Likely Pathogenic.

OMIM
Classification: Pathogenic for 3-METHYLGLUTACONIC ACIDURIA, TYPE IX. Last evaluated: 2021-02-01. Review status: no assertion criteria provided. Collection method: literature only. Allele origin: germline. Not counted in ClinVar's aggregate classification.

Literature cited by the submitters: PubMed 27573165 (cited by 3billion and Labcorp Genetics (formerly Invitae), Labcorp); PubMed 32369862 (cited by Labcorp Genetics (formerly Invitae), Labcorp and OMIM); Shahrour, M. A., Staretz-Chacham , O., Dayan, D., Stephen, J., Weech, A., Damseh, N., Pri Chen, H., Edvardson, S., Mazaheri, S., Saada, A., NISC Intramural Sequencing, Hershkovitz, E., and 9 others Mitochondrial epileptic encephalopathy, 3-methylglutaconic aciduria and variable complex V deficiency associated with TIMM50 mutations. Clin. Genet. 91: 690-696, 2017. (cited by OMIM).